The following is an entry in ClinVar:

ClinVar aggregate classification (germline): Uncertain significance (1 of 4 stars; one submission).

Submission:

GeneDx
Classification: Uncertain significance. Last evaluated: 2025-10-08. Review status: criteria provided, single submitter. Criteria: GeneDx Variant Classification Process June 2021. Collection method: clinical testing. Allele origin: germline. Affected: yes.
Comment: Not observed at significant frequency in large population cohorts (gnomAD); In silico analysis supports that this missense variant has a deleterious effect on protein structure/function; Has not been previously published as pathogenic or benign to our knowledge

NM_021072.4(HCN1):c.1214G>T (p.Arg405Leu)

Gene: HCN1 (hyperpolarization activated cyclic nucleotide gated potassium channel 1; minus strand). Cytogenetic location: 5p12.
Variant type: single nucleotide variant.
Coding change: c.1214G>T on transcript NM_021072.4 (MANE Select); coding-DNA position 1214, G replaced by T.
Protein change: p.Arg405Leu; replaces arginine 405 with leucine.
Molecular consequence: missense variant.
Genome position (GRCh38, 1-based): chr5:45,396,508, C>A on the plus strand (G>T on the coding strand, the complement: HCN1 is on the minus strand). VCF-style: chr5-45396508-C-A. GRCh37 (hg19) VCF-style: chr5-45396610-C-A.
Other names: short protein forms R405L.
Identifiers: ClinVar variation 1723114 (VCV001723114.3), dbSNP rs1351333514, ClinGen allele CA359705176.